The following is an entry in ClinVar:

NM_138713.4(NFAT5):c.428C>T (p.Thr143Ile)

Gene: NFAT5 (nuclear factor of activated T cells 5; plus strand). Cytogenetic location: 16q22.1.
Variant type: single nucleotide variant.
Coding change: c.428C>T on transcript NM_138713.4 (MANE Select); coding-DNA position 428, C replaced by T.
Protein change: p.Thr143Ile; replaces threonine 143 with isoleucine.
Molecular consequence: missense variant. On other transcripts: intron variant (1).
Genome position (GRCh38, 1-based): chr16:69,647,202, C>T. VCF-style: chr16-69647202-C-T. GRCh37 (hg19) VCF-style: chr16-69681105-C-T.
Other names: c.428C>T, p.Thr143Ile (NM_001113178.3); c.374C>T, p.Thr125Ile (NM_006599.4); c.146C>T, p.Thr49Ile (NM_138714.4, NM_173214.3, NM_173215.3); c.140+35C>T (NM_001367709.1); short protein forms T49I, T125I, T143I.
Identifiers: ClinVar variation 2099919 (VCV002099919.4), dbSNP rs377380596, ClinGen allele CA8135360.

ClinVar aggregate classification (germline): Uncertain significance (1 of 4 stars; one submission).

Conditions:
Immunodeficiency. Identifiers: MedGen C0021051, MONDO:0021094, HP:0002721.

Allele frequency attached by ClinVar (database versions not stated): gnomAD exomes below 0.00001; ExAC 0.00001; ESP Exome Variant Server 0.00008.
gnomAD v4.1: 2 of 1,614,074 alleles (0.00012%); highest among the groups gnomAD compares: Non-Finnish European, 0.00017%; no homozygotes.

Submission:

Labcorp Genetics (formerly Invitae), Labcorp
Classification: Uncertain significance for Immunodeficiency. Last evaluated: 2022-02-20. Review status: criteria provided, single submitter. Criteria: Invitae Variant Classification Sherloc (09022015). Collection method: clinical testing. Allele origin: germline.
Comment: Algorithms developed to predict the effect of missense changes on protein structure and function are either unavailable or do not agree on the potential impact of this missense change (SIFT: "Tolerated"; PolyPhen-2: "Probably Damaging"; Align-GVGD: "Class C0"). In summary, the available evidence is currently insufficient to determine the role of this variant in disease. Therefore, it has been classified as a Variant of Uncertain Significance. This variant has not been reported in the literature in individuals affected with NFAT5-related conditions. This sequence change replaces threonine, which is neutral and polar, with isoleucine, which is neutral and non-polar, at codon 49 of the NFAT5 protein (p.Thr49Ile). This variant is present in population databases (rs377380596, gnomAD 0.002%).